The following is an entry in ClinVar:

ClinVar aggregate classification (germline): Uncertain significance (1 of 4 stars; one submission).

Submission:

Dasa
Classification: Uncertain significance. Last evaluated: 2025-12-26. Review status: criteria provided, single submitter. Criteria: DASA Assertion Criteria. Collection method: clinical testing. Allele origin: germline.
Comment: NM_032043.3(BRIP1):c.2098-10841C>T is an intronic variant. This variant is rare in population databases. The currently available literature and clinical evidence are not sufficient to establish a definitive association between this variant and the reported condition. Therefore, this variant is classified as a variant of uncertain significance.

NM_032043.3(BRIP1):c.2098-10841C>T

Gene: BRIP1 (BRCA1 interacting DNA helicase 1; minus strand). Cytogenetic location: 17q23.2.
Variant type: single nucleotide variant.
Coding change: c.2098-10841C>T on transcript NM_032043.3 (MANE Select); 10841 bases into the intron before coding-DNA position 2098, C replaced by T.
Molecular consequence: intron variant.
Genome position (GRCh38, 1-based): chr17:61,755,432, G>A on the plus strand (C>T on the coding strand, the complement: BRIP1 is on the minus strand). VCF-style: chr17-61755432-G-A. GRCh37 (hg19) VCF-style: chr17-59832793-G-A.
Identifiers: ClinVar variation 4883383 (VCV004883383.2).
Genomic context (GRCh38, chr17:61,755,432, plus strand): 5'-CAACTTGGCAAAACCCTGTATCTACAAAAGTACAAAAATTAGCTGGGTGTGGTGGTGTGT[G>A]CCTGTGATCCCAGTTACTCAGGAGGCTGAGGTGGGAGGACTGCTTGAGCCCTGGAGGTTG-3'